The following is an entry in ClinVar:

ClinVar aggregate classification (germline): Uncertain significance (1 of 4 stars; one submission).

Conditions:
Autosomal dominant limb-girdle muscular dystrophy type 1F (LGMDD2). Also called: Limb-girdle muscular dystrophy, type 1F; MUSCULAR DYSTROPHY, LIMB-GIRDLE, AUTOSOMAL DOMINANT 2. Identifiers: Orphanet 55595, MedGen C1842062, MONDO:0012034, OMIM 608423.

Submission:

Labcorp Genetics (formerly Invitae), Labcorp
Classification: Uncertain significance for Autosomal dominant limb-girdle muscular dystrophy type 1F. Last evaluated: 2021-12-23. Review status: criteria provided, single submitter. Criteria: Invitae Variant Classification Sherloc (09022015). Collection method: clinical testing. Allele origin: germline.
Comment: Algorithms developed to predict the effect of sequence changes on RNA splicing suggest that this variant may create or strengthen a splice site. This sequence change replaces glycine, which is neutral and non-polar, with valine, which is neutral and non-polar, at codon 124 of the TNPO3 protein (p.Gly124Val). This variant is not present in population databases (gnomAD no frequency). This variant has not been reported in the literature in individuals affected with TNPO3-related conditions. Algorithms developed to predict the effect of missense changes on protein structure and function are either unavailable or do not agree on the potential impact of this missense change (SIFT: "Tolerated"; PolyPhen-2: "Possibly Damaging"; Align-GVGD: "Class C0"). In summary, the available evidence is currently insufficient to determine the role of this variant in disease. Therefore, it has been classified as a Variant of Uncertain Significance.

NM_012470.4(TNPO3):c.371G>T (p.Gly124Val)

Gene: TNPO3 (transportin 3; minus strand). Cytogenetic location: 7q32.1.
Variant type: single nucleotide variant.
Coding change: c.371G>T on transcript NM_012470.4 (MANE Select); coding-DNA position 371, G replaced by T.
Protein change: p.Gly124Val; replaces glycine 124 with valine.
Molecular consequence: missense variant. On other transcripts: non-coding transcript variant (18).
Genome position (GRCh38, 1-based): chr7:129,017,007, C>A on the plus strand (G>T on the coding strand, the complement: TNPO3 is on the minus strand). VCF-style: chr7-129017007-C-A. GRCh37 (hg19) VCF-style: chr7-128657061-C-A.
Other names: c.371G>T, p.Gly124Val (NM_001191028.3, NM_001382216.1, NM_001382217.1 and 6 more transcripts); short protein forms G124V.
Identifiers: ClinVar variation 2055994 (VCV002055994.4), dbSNP rs2536417539, ClinGen allele CA369247428.
Genomic context (GRCh38, chr7:129,017,007, plus strand): 5'-CCAAATGCTAATATAGAGTCAATACAAATTACTTACTTTTCCACCAGTGTTTGCACACAT[C>A]CCTTCCAGGAAGGCATCTGTAGGGCAAGATCTGCTATTGCTAAAGCCAGCTGAATAAGAG-3'
Protein context (NP_036602.1, residues 114-134): DLALQMPSWK[Gly124Val]CVQTLVEKYS